The following is an entry in ClinVar:

NM_015107.3(PHF8):c.2291C>A (p.Thr764Lys)

Gene: PHF8 (PHD finger protein 8; minus strand). Cytogenetic location: Xp11.22.
Variant type: single nucleotide variant.
Coding change: c.2291C>A on transcript NM_015107.3 (MANE Select); coding-DNA position 2291, C replaced by A.
Protein change: p.Thr764Lys; replaces threonine 764 with lysine.
Molecular consequence: missense variant.
Genome position (GRCh38, 1-based): chrX:53,985,066, G>T on the plus strand (C>A on the coding strand, the complement: PHF8 is on the minus strand). VCF-style: chrX-53985066-G-T. GRCh37 (hg19) VCF-style: chrX-54011499-G-T.
Other names: c.2399C>A, p.Thr800Lys (NM_001184896.1); c.1988C>A, p.Thr663Lys (NM_001184897.2); c.2240C>A, p.Thr747Lys (NM_001184898.2); short protein forms T663K, T747K, T764K, T800K.
Identifiers: ClinVar variation 2444538 (VCV002444538.1), dbSNP rs368382160, ClinGen allele CA10423313.

ClinVar aggregate classification (germline): Uncertain significance (1 of 4 stars; one submission).

Allele frequency attached by ClinVar (database versions not stated): ExAC 0.00001; gnomAD 0.00001; TOPMed 0.00002; ESP Exome Variant Server 0.00009.
gnomAD v4.1: 1 of 1,209,523 alleles (0.000083%); highest among the groups gnomAD compares: African/African-American, 0.0018%; no homozygotes.

Submission:

GeneDx
Classification: Uncertain significance. Last evaluated: 2022-09-08. Review status: criteria provided, single submitter. Criteria: GeneDx Variant Classification Process June 2021. Collection method: clinical testing. Allele origin: germline. Affected: yes.
Comment: Not observed at significant frequency in large population cohorts (gnomAD); In silico analysis supports that this missense variant does not alter protein structure/function; Has not been previously published as pathogenic or benign to our knowledge